The following is an entry in ClinVar:

NM_006302.3(MOGS):c.417G>C (p.Gln139His)

Gene: MOGS (mannosyl-oligosaccharide glucosidase; minus strand). Cytogenetic location: 2p13.1.
Variant type: single nucleotide variant.
Coding change: c.417G>C on transcript NM_006302.3 (MANE Select); coding-DNA position 417, G replaced by C.
Protein change: p.Gln139His; replaces glutamine 139 with histidine.
Molecular consequence: missense variant.
Genome position (GRCh38, 1-based): chr2:74,464,658, C>G on the plus strand (G>C on the coding strand, the complement: MOGS is on the minus strand). VCF-style: chr2-74464658-C-G. GRCh37 (hg19) VCF-style: chr2-74691785-C-G.
Other names: c.99G>C, p.Gln33His (NM_001146158.2); short protein forms Q33H, Q139H.
Identifiers: ClinVar variation 969530 (VCV000969530.5), dbSNP rs1672015268, ClinGen allele CA347381918.

ClinVar aggregate classification (germline): Uncertain significance (1 of 4 stars; one submission).

Conditions:
MOGS-congenital disorder of glycosylation. Also called: CDG IIb; GLUCOSIDASE I DEFICIENCY; MOGS-CDG; CDG 2B. Identifiers: Orphanet 79330, MedGen C1853736, MONDO:0011629, OMIM 606056.

Submission:

Labcorp Genetics (formerly Invitae), Labcorp
Classification: Uncertain significance for MOGS-congenital disorder of glycosylation. Last evaluated: 2022-03-09. Review status: criteria provided, single submitter. Criteria: Invitae Variant Classification Sherloc (09022015). Collection method: clinical testing. Allele origin: germline.
Comment: In summary, the available evidence is currently insufficient to determine the role of this variant in disease. Therefore, it has been classified as a Variant of Uncertain Significance. Algorithms developed to predict the effect of missense changes on protein structure and function are either unavailable or do not agree on the potential impact of this missense change (SIFT: "Deleterious"; PolyPhen-2: "Possibly Damaging"; Align-GVGD: "Class C0"). ClinVar contains an entry for this variant (Variation ID: 969530). This variant has not been reported in the literature in individuals affected with MOGS-related conditions. This variant is not present in population databases (gnomAD no frequency). This sequence change replaces glutamine, which is neutral and polar, with histidine, which is basic and polar, at codon 139 of the MOGS protein (p.Gln139His).